The following is an entry in ClinVar:

ClinVar aggregate classification (germline): Uncertain significance (1 of 4 stars; one submission).

Conditions:
RYR1-related disorder. Also called: RYR1-related condition; RYR1-related disorders. Identifiers: MedGen CN239331.

Submission:

Labcorp Genetics (formerly Invitae), Labcorp
Classification: Uncertain significance for RYR1-related disorder. Last evaluated: 2021-08-27. Review status: criteria provided, single submitter. Criteria: Invitae Variant Classification Sherloc (09022015). Collection method: clinical testing. Allele origin: germline.
Comment: In summary, the available evidence is currently insufficient to determine the role of this variant in disease. Therefore, it has been classified as a Variant of Uncertain Significance. Advanced modeling of protein sequence and biophysical properties (such as structural, functional, and spatial information, amino acid conservation, physicochemical variation, residue mobility, and thermodynamic stability) performed at Invitae indicates that this missense variant is not expected to disrupt RYR1 protein function. This variant has not been reported in the literature in individuals affected with RYR1-related conditions. This variant is not present in population databases (ExAC no frequency). This sequence change replaces lysine with asparagine at codon 3179 of the RYR1 protein (p.Lys3179Asn). The lysine residue is weakly conserved and there is a moderate physicochemical difference between lysine and asparagine.

NM_000540.3(RYR1):c.9537G>C (p.Lys3179Asn)

Gene: RYR1 (ryanodine receptor 1; plus strand). Cytogenetic location: 19q13.2.
Variant type: single nucleotide variant.
Coding change: c.9537G>C on transcript NM_000540.3 (MANE Select); coding-DNA position 9537, G replaced by C.
Protein change: p.Lys3179Asn; replaces lysine 3179 with asparagine.
Molecular consequence: missense variant.
Genome position (GRCh38, 1-based): chr19:38,515,090, G>C. VCF-style: chr19-38515090-G-C. GRCh37 (hg19) VCF-style: chr19-39005730-G-C.
Other names: c.9537G>C, p.Lys3179Asn (NM_001042723.2); short protein forms K3179N.
Identifiers: ClinVar variation 1512977 (VCV001512977.6), dbSNP rs2145673238, ClinGen allele CA405688981.
Genomic context (GRCh38, chr19:38,515,090, plus strand): 5'-CGACGTCCAGGTCTCTTGCTACCGAACGCTGTGCAGTATCTACTCCCTGGGAACCACCAA[G>C]AACACTTATGTGGAAAAGTAAGGAGAGGGAGCCATCGTTTGGGGCTGGGTGGGGCTGGAG-3'
Protein context (NP_000531.2, residues 3169-3189): LCSIYSLGTT[Lys3179Asn]NTYVEKLRPA